The following is an entry in ClinVar:

NM_001146.5(ANGPT1):c.1477A>G (p.Ile493Val)

Gene: ANGPT1 (angiopoietin 1; minus strand). Cytogenetic location: 8q23.1.
Variant type: single nucleotide variant.
Coding change: c.1477A>G on transcript NM_001146.5 (MANE Select); coding-DNA position 1477, A replaced by G.
Protein change: p.Ile493Val; replaces isoleucine 493 with valine.
Molecular consequence: missense variant.
Genome position (GRCh38, 1-based): chr8:107,251,875, T>C on the plus strand (A>G on the coding strand, the complement: ANGPT1 is on the minus strand). VCF-style: chr8-107251875-T-C. GRCh37 (hg19) VCF-style: chr8-108264103-T-C.
Other names: c.1474A>G, p.Ile492Val (NM_001199859.3); c.877A>G, p.Ile293Val (NM_001314051.2); short protein forms I492V, I293V, I493V.
Identifiers: ClinVar variation 1934887 (VCV001934887.5), dbSNP rs2488090806, ClinGen allele CA372033594.

ClinVar aggregate classification (germline): Uncertain significance (1 of 4 stars; one submission).

Allele frequency attached by ClinVar (database versions not stated): gnomAD exomes below 0.00001.
gnomAD v4.1: 3 of 1,613,924 alleles (0.00019%); highest among the groups gnomAD compares: Middle Eastern, 0.016%; no homozygotes.

Submission:

Labcorp Genetics (formerly Invitae), Labcorp
Classification: Uncertain significance. Last evaluated: 2024-04-14. Review status: criteria provided, single submitter. Criteria: Invitae Variant Classification Sherloc (09022015). Collection method: clinical testing. Allele origin: germline.
Comment: This sequence change replaces isoleucine, which is neutral and non-polar, with valine, which is neutral and non-polar, at codon 493 of the ANGPT1 protein (p.Ile493Val). This variant is not present in population databases (gnomAD no frequency). This variant has not been reported in the literature in individuals affected with ANGPT1-related conditions. ClinVar contains an entry for this variant (Variation ID: 1934887). An algorithm developed to predict the effect of missense changes on protein structure and function (PolyPhen-2) suggests that this variant is likely to be tolerated. In summary, the available evidence is currently insufficient to determine the role of this variant in disease. Therefore, it has been classified as a Variant of Uncertain Significance.